The following is an entry in ClinVar:

ClinVar aggregate classification (germline): Uncertain significance. Review status: criteria provided, multiple submitters, no conflicts (2 of 4 stars). 3 submissions from 3 submitters: Uncertain significance (2). 1 of the submissions does not count toward it. Last evaluated 2025-01-01.

Conditions:
Retinal dystrophy. Also called: Inherited retinal dystrophy. Identifiers: Orphanet 71862, MedGen C0854723, MeSH D058499, MONDO:0019118, HP:0000556.

Allele frequency attached by ClinVar (database versions not stated): TOPMed below 0.00001; gnomAD exomes 0.00001.
gnomAD v4.1: 4 of 1,608,220 alleles (0.00025%); highest among the groups gnomAD compares: Admixed American, 0.0067%; no homozygotes.

Submissions (3):

CeGaT Center for Human Genetics Tuebingen
Classification: Uncertain significance. Last evaluated: 2025-01-01. Review status: criteria provided, single submitter. Criteria: CeGaT Center For Human Genetics Tuebingen Variant Classification Criteria Version 2. Collection method: clinical testing. Allele origin: germline. Affected: yes. Observed: 1 variant allele.
Comment: ABCA4: PM2, BP4

Labcorp Genetics (formerly Invitae), Labcorp
Classification: Uncertain significance. Last evaluated: 2022-03-09. Review status: criteria provided, single submitter. Criteria: Invitae Variant Classification Sherloc (09022015). Collection method: clinical testing. Allele origin: germline.
Comment: This sequence change falls in intron 13 of the ABCA4 gene. It does not directly change the encoded amino acid sequence of the ABCA4 protein. It affects a nucleotide within the consensus splice site. This variant is present in population databases (no rsID available, gnomAD 0.009%). This variant has not been reported in the literature in individuals affected with ABCA4-related conditions. Variants that disrupt the consensus splice site are a relatively common cause of aberrant splicing (PMID: 17576681, 9536098). Algorithms developed to predict the effect of sequence changes on RNA splicing suggest that this variant is not likely to affect RNA splicing. In summary, the available evidence is currently insufficient to determine the role of this variant in disease. Therefore, it has been classified as a Variant of Uncertain Significance.

Institute of Human Genetics, Univ. Regensburg, Univ. Regensburg
Classification: Uncertain significance for Retinal dystrophy. Last evaluated: 2013-01-01. Review status: no assertion criteria provided. Criteria: ACMG Guidelines, 2015. Collection method: clinical testing. Allele origin: germline. Affected: yes. Not counted in ClinVar's aggregate classification.

Literature cited by the submitters: PubMed 17576681 (cited by Labcorp Genetics (formerly Invitae), Labcorp); PubMed 9536098 (cited by Labcorp Genetics (formerly Invitae), Labcorp).

NM_000350.3(ABCA4):c.1937+3G>A

Gene: ABCA4 (ATP binding cassette subfamily A member 4; minus strand). Cytogenetic location: 1p22.1.
Variant type: single nucleotide variant.
Coding change: c.1937+3G>A on transcript NM_000350.3 (MANE Select); 3 bases into the intron after coding-DNA position 1937, G replaced by A.
Molecular consequence: intron variant.
Genome position (GRCh38, 1-based): chr1:94,062,574, C>T on the plus strand (G>A on the coding strand, the complement: ABCA4 is on the minus strand). VCF-style: chr1-94062574-C-T. GRCh37 (hg19) VCF-style: chr1-94528130-C-T.
Identifiers: ClinVar variation 1948366 (VCV001948366.16), dbSNP rs770529608, ClinGen allele CA524386468.